The following is an entry in ClinVar:

NM_014994.3(MAPKBP1):c.4096C>G (p.Gln1366Glu)

Gene: MAPKBP1 (mitogen-activated protein kinase binding protein 1; plus strand). Cytogenetic location: 15q15.1.
Variant type: single nucleotide variant.
Coding change: c.4096C>G on transcript NM_014994.3 (MANE Select); coding-DNA position 4096, C replaced by G.
Protein change: p.Gln1366Glu; replaces glutamine 1366 with glutamic acid.
Molecular consequence: missense variant. On other transcripts: non-coding transcript variant (2), intron variant (1).
Genome position (GRCh38, 1-based): chr15:41,823,944, C>G. VCF-style: chr15-41823944-C-G. GRCh37 (hg19) VCF-style: chr15-42116142-C-G.
Other names: c.4114C>G, p.Gln1372Glu (NM_001128608.2); c.3383-540C>G (NM_001265611.2); short protein forms Q1366E, Q1372E.
Identifiers: ClinVar variation 3347452 (VCV003347452.1).
Genomic context (GRCh38, chr15:41,823,944, plus strand): 5'-ACTCCCAAGCCTAGGACAGAGTGCCAGGCTCATCCTGGGCCCAGCAGCCCCTGTGCCCAG[C>G]AACTGCCAGTCAGCAGCCTCTTCCAAGGCCCTGAAAACTTGCAGCCCCCACCCCCTGAGA-3'
Protein context (NP_055809.2, residues 1356-1376): HPGPSSPCAQ[Gln1366Glu]LPVSSLFQGP

ClinVar aggregate classification (germline): Uncertain significance (0 of 4 stars; one submission).

Conditions:
MAPKBP1-related disorder. Also called: MAPKBP1-related condition.

Submission:

PreventionGenetics, part of Exact Sciences
Classification: Uncertain significance for MAPKBP1-related condition. Last evaluated: 2024-04-04. Review status: no assertion criteria provided. Collection method: clinical testing. Allele origin: germline.
Comment: The MAPKBP1 c.4114C>G variant is predicted to result in the amino acid substitution p.Gln1372Glu. To our knowledge, this variant has not been reported in the literature or in a large population database, indicating this variant is rare. At this time, the clinical significance of this variant is uncertain due to the absence of conclusive functional and genetic evidence.